The following is an entry in ClinVar:

ClinVar aggregate classification (germline): Uncertain significance (1 of 4 stars; one submission).

Conditions:
Developmental and epileptic encephalopathy, 33 (DEE33). Also called: Epileptic encephalopathy, early infantile, 33. Identifiers: Orphanet 442835, MedGen C4225337, MONDO:0014625, OMIM 616409.

Allele frequency attached by ClinVar (database versions not stated): gnomAD exomes below 0.00001; gnomAD 0.00001.
gnomAD v4.1: 3 of 1,612,662 alleles (0.00019%); highest among the groups gnomAD compares: African/African-American, 0.0013%; no homozygotes.

Submission:

Labcorp Genetics (formerly Invitae), Labcorp
Classification: Uncertain significance for Developmental and epileptic encephalopathy, 33. Last evaluated: 2022-05-27. Review status: criteria provided, single submitter. Criteria: Invitae Variant Classification Sherloc (09022015). Collection method: clinical testing. Allele origin: germline.
Comment: This variant has not been reported in the literature in individuals affected with EEF1A2-related conditions. Advanced modeling of protein sequence and biophysical properties (such as structural, functional, and spatial information, amino acid conservation, physicochemical variation, residue mobility, and thermodynamic stability) performed at Invitae indicates that this missense variant is expected to disrupt EEF1A2 protein function. In summary, the available evidence is currently insufficient to determine the role of this variant in disease. Therefore, it has been classified as a Variant of Uncertain Significance. This variant is not present in population databases (gnomAD no frequency). This sequence change replaces lysine, which is basic and polar, with arginine, which is basic and polar, at codon 172 of the EEF1A2 protein (p.Lys172Arg).

NM_001958.5(EEF1A2):c.515A>G (p.Lys172Arg)

Genes: EEF1A2 (eukaryotic translation elongation factor 1 alpha 2; minus strand), LOC132090595 (Neanderthal introgressed variant-containing enhancer experimental_60987; plus strand). Cytogenetic location: 20q13.33.
Variant type: single nucleotide variant.
Coding change: c.515A>G on transcript NM_001958.5 (MANE Select); coding-DNA position 515, A replaced by G.
Protein change: p.Lys172Arg; replaces lysine 172 with arginine.
Molecular consequence: missense variant.
Genome position (GRCh38, 1-based): chr20:63,494,911, T>C on the plus strand (A>G on the coding strand, the complement: EEF1A2 is on the minus strand). VCF-style: chr20-63494911-T-C. GRCh37 (hg19) VCF-style: chr20-62126264-T-C.
Other names: short protein forms K172R.
Identifiers: ClinVar variation 1999658 (VCV001999658.4), dbSNP rs1600907704, ClinGen allele CA409649505.
Genomic context (GRCh38, chr20:63,494,911, plus strand): 5'-GGCACAAAGGGCACGGTGGCCGGGTTGTAGCCGATCTTCTTGATGTAGGCGCTGACTTCC[T>C]TGACGATCTCGTCGTAGCGCTTCTCGCTGTAGGCCGGCTCTGTGGAGTCCATTTTGTTCA-3'
Protein context (NP_001949.1, residues 162-182): YSEKRYDEIV[Lys172Arg]EVSAYIKKIG